The following is an entry in ClinVar:

ClinVar aggregate classification (germline): Pathogenic (1 of 4 stars; one submission).

Conditions:
Autosomal recessive severe congenital neutropenia due to CSF3R deficiency. Also called: Neutropenia, severe congenital, 7, autosomal recessive. Identifiers: Orphanet 420702, MedGen C4310764, MONDO:0014865, OMIM 617014.

Allele frequency attached by ClinVar (database versions not stated): gnomAD 0.00001; gnomAD exomes 0.00001; TOPMed 0.00001; ExAC 0.00001.

Submission:

Labcorp Genetics (formerly Invitae), Labcorp
Classification: Pathogenic for Autosomal recessive severe congenital neutropenia due to CSF3R deficiency. Last evaluated: 2017-10-23. Review status: criteria provided, single submitter. Criteria: Invitae Variant Classification Sherloc (09022015). Collection method: clinical testing. Allele origin: germline.
Comment: For these reasons, this variant has been classified as Pathogenic. Loss-of-function variants in CSF3R are known to be pathogenic (PMID: 24753537, 26324699). This variant has not been reported in the literature in individuals with CSF3R-related disease. This variant is present in population databases (rs759302795, ExAC 0.01%). This sequence change creates a premature translational stop signal (p.Glu267Serfs*61) in the CSF3R gene. It is expected to result in an absent or disrupted protein product.

Literature cited by the submitters: PubMed 24753537; PubMed 26324699.

NM_000760.4(CSF3R):c.799del (p.Glu267fs)

Gene: CSF3R (colony stimulating factor 3 receptor; minus strand). Cytogenetic location: 1p34.3.
Variant type: Deletion.
Coding change: c.799del on transcript NM_000760.4 (MANE Select); coding-DNA position 799, one base deleted (G; older notation c.799delG).
Protein change: p.Glu267fs; shifts the reading frame from glutamic acid 267.
Molecular consequence: frameshift variant.
Genome position (GRCh38, 1-based): chr1:36,472,561, C deleted on the plus strand (G on the coding strand, the reverse complement: CSF3R is on the minus strand). VCF-style (leftmost placement, unchanged base first): chr1-36472560-TC-T. GRCh37 (hg19) VCF-style: chr1-36938161-TC-T.
Other names: c.799del, p.Glu267fs (NM_156039.3, NM_172313.3, LRG_144t1); short protein forms E267fs.
Identifiers: ClinVar variation 542856 (VCV000542856.6), dbSNP rs759302795, ClinGen allele CA769386.